The following is an entry in ClinVar:

NM_058246.4(DNAJB6):c.*72C>T

Gene: DNAJB6 (DnaJ heat shock protein family (Hsp40) member B6; plus strand). Cytogenetic location: 7q36.3.
Variant type: single nucleotide variant.
Coding change: c.*72C>T on transcript NM_058246.4 (MANE Select); 72 bases downstream of the stop codon, C replaced by T.
Molecular consequence: 3 prime UTR variant.
Genome position (GRCh38, 1-based): chr7:157,416,170, C>T. VCF-style: chr7-157416170-C-T. GRCh37 (hg19) VCF-style: chr7-157208864-C-T.
Other names: c.*72C>T (NM_001363676.1).
Identifiers: ClinVar variation 359458 (VCV000359458.8), dbSNP rs116630040, ClinGen allele CA10623552.

ClinVar aggregate classification (germline): Benign/Likely benign. Review status: criteria provided, multiple submitters, no conflicts (2 of 4 stars). 2 submissions from 2 submitters: Benign (1); Likely benign (1). Last evaluated 2018-07-07.

Conditions:
Autosomal dominant limb-girdle muscular dystrophy type 1D (DNAJB6) (LGMDD1). Also called: MUSCULAR DYSTROPHY, LIMB-GIRDLE, TYPE 1D; MUSCULAR DYSTROPHY, AUTOSOMAL DOMINANT, WITH RIMMED VACUOLES; Autosomal dominant limb-girdle muscular dystrophy type 1D; Muscular dystrophy, limb-girdle, autosomal dominant 1. Identifiers: Orphanet 34516, MedGen C4721885, MONDO:0021018, OMIM 603511.

Allele frequency attached by ClinVar (database versions not stated): gnomAD 0.00519; 1000 Genomes Project 0.00739; 1000 Genomes Project 30x 0.00750.
gnomAD v4.1: 1,813 of 1,568,074 alleles (0.12%); highest among the groups gnomAD compares: African/African-American, 2.1%; 23 homozygotes.

Submissions (2):

GeneDx
Classification: Likely benign. Last evaluated: 2018-07-07. Review status: criteria provided, single submitter. Criteria: GeneDx Variant Classification Process June 2021. Collection method: clinical testing. Allele origin: germline. Affected: yes.

Illumina Laboratory Services, Illumina
Classification: Benign for Autosomal dominant limb-girdle muscular dystrophy type 1D (DNAJB6). Last evaluated: 2018-01-13. Review status: criteria provided, single submitter. Criteria: ICSL Variant Classification Criteria 13 December 2019. Collection method: clinical testing. Allele origin: germline.
Comment: This variant was observed in the ICSL laboratory as part of a predisposition screen in an ostensibly healthy population. It had not been previously curated by ICSL or reported in the Human Gene Mutation Database (HGMD: prior to June 1st, 2018), and was therefore a candidate for classification through an automated scoring system. Utilizing variant allele frequency, disease prevalence and penetrance estimates, and inheritance mode, an automated score was calculated to assess if this variant is too frequent to cause the disease. Based on the score and internal cut-off values, a variant classified as benign is not then subjected to further curation. The score for this variant resulted in a classification of benign for this disease.